The following is an entry in ClinVar:

NM_002439.5(MSH3):c.1114T>G (p.Ser372Ala)

Gene: MSH3 (mutS homolog 3; plus strand). Cytogenetic location: 5q14.1.
Variant type: single nucleotide variant.
Coding change: c.1114T>G on transcript NM_002439.5 (MANE Select); coding-DNA position 1114, T replaced by G.
Protein change: p.Ser372Ala; replaces serine 372 with alanine.
Molecular consequence: missense variant.
Genome position (GRCh38, 1-based): chr5:80,675,069, T>G. VCF-style: chr5-80675069-T-G. GRCh37 (hg19) VCF-style: chr5-79970888-T-G.
Other names: c.1114T>G (NM_002439.3); short protein forms S372A.
Identifiers: ClinVar variation 952527 (VCV000952527.9), dbSNP rs1225123305, ClinGen allele CA360268141.

ClinVar aggregate classification (germline): Uncertain significance. Review status: criteria provided, multiple submitters, no conflicts (2 of 4 stars). 2 submissions from 2 submitters: Uncertain significance (2). Last evaluated 2025-05-07.

Conditions:
Familial adenomatous polyposis 4 (FAP4). Also called: MSH3-related attenuated familial adenomatous polyposis. Identifiers: Orphanet 480536, MedGen C4310719, MONDO:0044300, OMIM 617100.
Hereditary cancer-predisposing syndrome. Also called: Neoplastic Syndromes, Hereditary; Tumor predisposition; Hereditary neoplastic syndrome; Hereditary Cancer Syndrome. Identifiers: Orphanet 140162, MedGen C0027672, MeSH D009386, MONDO:0015356.

Allele frequency attached by ClinVar (database versions not stated): gnomAD exomes below 0.00001; gnomAD 0.00001; TOPMed 0.00001.
gnomAD v4.1: 2 of 1,613,550 alleles (0.00012%); highest among the groups gnomAD compares: Non-Finnish European, 0.00017%; no homozygotes.

Submissions (2):

Labcorp Genetics (formerly Invitae), Labcorp
Classification: Uncertain significance. Last evaluated: 2025-05-07. Review status: criteria provided, single submitter. Criteria: Invitae Variant Classification Sherloc (09022015). Collection method: clinical testing. Allele origin: germline.
Comment: This sequence change replaces serine, which is neutral and polar, with alanine, which is neutral and non-polar, at codon 372 of the MSH3 protein (p.Ser372Ala). This variant is not present in population databases (gnomAD no frequency). This variant has not been reported in the literature in individuals affected with MSH3-related conditions. ClinVar contains an entry for this variant (Variation ID: 952527). An algorithm developed to predict the effect of missense changes on protein structure and function (PolyPhen-2) suggests that this variant is likely to be tolerated. RNA analysis performed to evaluate the impact of this missense change on mRNA splicing indicates it does not significantly alter splicing (internal data). In summary, the available evidence is currently insufficient to determine the role of this variant in disease. Therefore, it has been classified as a Variant of Uncertain Significance.

Ambry Genetics
Classification: Uncertain significance for Hereditary cancer-predisposing syndrome. Last evaluated: 2024-01-11. Review status: criteria provided, single submitter. Criteria: Ambry Variant Classification Scheme 2023. Collection method: clinical testing. Allele origin: germline.
Comment: The p.S372A variant (also known as c.1114T>G), located in coding exon 7 of the MSH3 gene, results from a T to G substitution at nucleotide position 1114. The serine at codon 372 is replaced by alanine, an amino acid with similar properties. This amino acid position is not well conserved in available vertebrate species. In addition, this alteration is predicted to be tolerated by in silico analysis. Since supporting evidence is limited at this time, the clinical significance of this alteration remains unclear.